The following is an entry in ClinVar:

ClinVar aggregate classification (germline): Uncertain significance (1 of 4 stars; one submission).

Conditions:
Inborn genetic diseases. Identifiers: MedGen C0950123, MeSH D030342.

Submission:

Ambry Genetics
Classification: Uncertain significance for Inborn genetic diseases. Last evaluated: 2024-02-22. Review status: criteria provided, single submitter. Criteria: Ambry Variant Classification Scheme 2023. Collection method: clinical testing. Allele origin: germline.
Comment: The p.L1652I variant (also known as c.4954C>A), located in coding exon 34 of the LRRK2 gene, results from a C to A substitution at nucleotide position 4954. The leucine at codon 1652 is replaced by isoleucine, an amino acid with highly similar properties. This amino acid position is conserved. In addition, the in silico prediction for this alteration is inconclusive. Based on the available evidence, the clinical significance of this alteration remains unclear.

NM_198578.4(LRRK2):c.4954C>A (p.Leu1652Ile)

Gene: LRRK2 (leucine rich repeat kinase 2; plus strand). Cytogenetic location: 12q12.
Variant type: single nucleotide variant.
Coding change: c.4954C>A on transcript NM_198578.4 (MANE Select); coding-DNA position 4954, C replaced by A.
Protein change: p.Leu1652Ile; replaces leucine 1652 with isoleucine.
Molecular consequence: missense variant.
Genome position (GRCh38, 1-based): chr12:40,320,114, C>A. VCF-style: chr12-40320114-C-A. GRCh37 (hg19) VCF-style: chr12-40713916-C-A.
Other names: short protein forms L1652I.
Identifiers: ClinVar variation 3229675 (VCV003229675.1), dbSNP rs1038811608, ClinGen allele CA384419660.